The following is an entry in ClinVar:

ClinVar aggregate classification (germline): Likely benign (1 of 4 stars; one submission).

Allele frequency attached by ClinVar (database versions not stated): gnomAD exomes below 0.00001.
gnomAD v4.1: 3 of 1,609,192 alleles (0.00019%); highest among the groups gnomAD compares: Non-Finnish European, 0.00025%; no homozygotes.

Submission:

CeGaT Center for Human Genetics Tuebingen
Classification: Likely benign. Last evaluated: 2022-03-01. Review status: criteria provided, single submitter. Criteria: CeGaT Center For Human Genetics Tuebingen Variant Classification Criteria Version 2. Collection method: clinical testing. Allele origin: germline. Affected: yes. Observed: 1 variant allele.
Comment: CLSTN3: BP4, BP7

NM_014718.4(CLSTN3):c.1533C>T (p.Thr511=)

Gene: CLSTN3 (calsyntenin 3; plus strand). Cytogenetic location: 12p13.31.
Variant type: single nucleotide variant.
Coding change: c.1533C>T on transcript NM_014718.4 (MANE Select); coding-DNA position 1533, C replaced by T.
Protein change: p.Thr511=; no amino-acid change (threonine 511 retained).
Molecular consequence: synonymous variant.
Genome position (GRCh38, 1-based): chr12:7,142,132, C>T. VCF-style: chr12-7142132-C-T. GRCh37 (hg19) VCF-style: chr12-7294728-C-T.
Identifiers: ClinVar variation 2642666 (VCV002642666.24), dbSNP rs1393797216, ClinGen allele CA478213717.